The following is an entry in ClinVar:

ClinVar aggregate classification (germline): Likely benign (1 of 4 stars; one submission).

gnomAD v4.1: 11 of 1,611,966 alleles (0.00068%); highest among the groups gnomAD compares: Admixed American, 0.0017%; no homozygotes.

Submission:

CeGaT Center for Human Genetics Tuebingen
Classification: Likely benign. Last evaluated: 2022-05-01. Review status: criteria provided, single submitter. Criteria: CeGaT Center For Human Genetics Tuebingen Variant Classification Criteria Version 2. Collection method: clinical testing. Allele origin: germline. Affected: yes. Observed: 1 variant allele.
Comment: HERC2: BP4, BP7

NM_004667.6(HERC2):c.6138G>T (p.Pro2046=)

Gene: HERC2 (HECT and RLD domain containing E3 ubiquitin protein ligase 2; minus strand). Cytogenetic location: 15q13.1.
Variant type: single nucleotide variant.
Coding change: c.6138G>T on transcript NM_004667.6 (MANE Select); coding-DNA position 6138, G replaced by T.
Protein change: p.Pro2046=; no amino-acid change (proline 2046 retained).
Molecular consequence: synonymous variant.
Genome position (GRCh38, 1-based): chr15:28,215,693, C>A on the plus strand (G>T on the coding strand, the complement: HERC2 is on the minus strand). VCF-style: chr15-28215693-C-A. GRCh37 (hg19) VCF-style: chr15-28460839-C-A.
Identifiers: ClinVar variation 2645069 (VCV002645069.24), dbSNP rs771998576, ClinGen allele CA7442140.